The following is an entry in ClinVar:

ClinVar aggregate classification (germline): Uncertain significance. Review status: criteria provided, multiple submitters, no conflicts (2 of 4 stars). 2 submissions from 2 submitters: Uncertain significance (2). Last evaluated 2025-08-21.

Conditions:
Inborn genetic diseases. Identifiers: MedGen C0950123, MeSH D030342.

gnomAD v4.1: 4 of 1,611,558 alleles (0.00025%); highest among the groups gnomAD compares: Non-Finnish European, 0.00034%; no homozygotes.

Submissions (2):

Ambry Genetics
Classification: Uncertain significance for Inborn genetic diseases. Last evaluated: 2025-08-21. Review status: criteria provided, single submitter. Criteria: Ambry Variant Classification Scheme 2023. Collection method: clinical testing. Allele origin: germline.

Labcorp Genetics (formerly Invitae), Labcorp
Classification: Uncertain significance. Last evaluated: 2022-04-11. Review status: criteria provided, single submitter. Criteria: Invitae Variant Classification Sherloc (09022015). Collection method: clinical testing. Allele origin: germline.
Comment: This sequence change replaces histidine, which is basic and polar, with tyrosine, which is neutral and polar, at codon 831 of the LPIN1 protein (p.His831Tyr). The frequency data for this variant in the population databases is considered unreliable, as metrics indicate poor data quality at this position in the gnomAD database. This variant has not been reported in the literature in individuals affected with LPIN1-related conditions. Algorithms developed to predict the effect of missense changes on protein structure and function are either unavailable or do not agree on the potential impact of this missense change (SIFT: "Tolerated"; PolyPhen-2: "Probably Damaging"; Align-GVGD: "Class C0"). In summary, the available evidence is currently insufficient to determine the role of this variant in disease. Therefore, it has been classified as a Variant of Uncertain Significance.

NM_001349206.2(LPIN1):c.2599C>T (p.His867Tyr)

Gene: LPIN1 (lipin 1; plus strand). Cytogenetic location: 2p25.1.
Variant type: single nucleotide variant.
Coding change: c.2599C>T on transcript NM_001349206.2 (MANE Select); coding-DNA position 2599, C replaced by T.
Protein change: p.His867Tyr; replaces histidine 867 with tyrosine.
Molecular consequence: missense variant. On other transcripts: non-coding transcript variant (1).
Genome position (GRCh38, 1-based): chr2:11,820,492, C>T. VCF-style: chr2-11820492-C-T. GRCh37 (hg19) VCF-style: chr2-11960618-C-T.
Other names: c.2509C>T, p.His837Tyr (NM_001261427.3); c.2746C>T, p.His916Tyr (NM_001261428.3); c.2491C>T, p.His831Tyr (NM_001349199.2, NM_145693.4); c.2569C>T, p.His857Tyr (NM_001349200.2, NM_001349201.2); c.2596C>T, p.His866Tyr (NM_001349202.2, NM_001349203.2); c.2599C>T, p.His867Tyr (NM_001349204.2, NM_001349205.2); c.2689C>T, p.His897Tyr (NM_001349207.2); c.2638C>T, p.His880Tyr (NM_001349208.2); and 1 more; short protein forms H837Y, H866Y, H831Y, H916Y, H880Y, H897Y, H857Y, H867Y.
Identifiers: ClinVar variation 2192345 (VCV002192345.5), dbSNP rs1025795854, ClinGen allele CA42593218.